The following is an entry in ClinVar:

ClinVar aggregate classification (germline): Uncertain significance. Review status: criteria provided, multiple submitters, no conflicts (2 of 4 stars). 2 submissions from 2 submitters: Uncertain significance (2). Last evaluated 2025-02-22.

Allele frequency attached by ClinVar (database versions not stated): gnomAD 0.00001; gnomAD exomes 0.00002; ExAC 0.00002; TOPMed 0.00002.
gnomAD v4.1: 32 of 1,613,728 alleles (0.002%); highest among the groups gnomAD compares: Middle Eastern, 0.017%; no homozygotes.

Submissions (2):

Ambry Genetics
Classification: Uncertain significance. Last evaluated: 2025-02-22. Review status: criteria provided, single submitter. Criteria: Ambry Variant Classification Scheme 2023. Collection method: clinical testing. Allele origin: germline.

Labcorp Genetics (formerly Invitae), Labcorp
Classification: Uncertain significance. Last evaluated: 2024-10-29. Review status: criteria provided, single submitter. Criteria: Invitae Variant Classification Sherloc (09022015). Collection method: clinical testing. Allele origin: germline.
Comment: This sequence change replaces arginine, which is basic and polar, with glutamine, which is neutral and polar, at codon 370 of the NIN protein (p.Arg370Gln). This variant is present in population databases (rs750043290, gnomAD 0.02%). This variant has not been reported in the literature in individuals affected with NIN-related conditions. ClinVar contains an entry for this variant (Variation ID: 2070479). An algorithm developed to predict the effect of missense changes on protein structure and function (PolyPhen-2) suggests that this variant is likely to be disruptive. In summary, the available evidence is currently insufficient to determine the role of this variant in disease. Therefore, it has been classified as a Variant of Uncertain Significance.

NM_020921.4(NIN):c.1109G>A (p.Arg370Gln)

Gene: NIN (ninein; minus strand). Cytogenetic location: 14q22.1.
Variant type: single nucleotide variant.
Coding change: c.1109G>A on transcript NM_020921.4 (MANE Select); coding-DNA position 1109, G replaced by A.
Protein change: p.Arg370Gln; replaces arginine 370 with glutamine.
Molecular consequence: missense variant.
Genome position (GRCh38, 1-based): chr14:50,771,341, C>T on the plus strand (G>A on the coding strand, the complement: NIN is on the minus strand). VCF-style: chr14-50771341-C-T. GRCh37 (hg19) VCF-style: chr14-51238059-C-T.
Other names: c.1109G>A, p.Arg370Gln (NM_016350.5, NM_182944.3, NM_182946.2); c.1109G>A (NM_020921.3); short protein forms R370Q.
Identifiers: ClinVar variation 2070479 (VCV002070479.5), dbSNP rs750043290, ClinGen allele CA7182290.